The following is an entry in ClinVar:

ClinVar aggregate classification (germline): Likely benign (0 of 4 stars; one submission).

Conditions:
DNAH11-related disorder. Also called: DNAH11-related condition.

Allele frequency attached by ClinVar (database versions not stated): TOPMed below 0.00001; gnomAD 0.00001; gnomAD exomes 0.00001.
gnomAD v4.1: 5 of 1,585,586 alleles (0.00032%); highest among the groups gnomAD compares: South Asian, 0.0012%; no homozygotes.

Submission:

PreventionGenetics, part of Exact Sciences
Classification: Likely benign for DNAH11-related condition. Last evaluated: 2023-11-08. Review status: no assertion criteria provided. Collection method: clinical testing. Allele origin: germline.
Comment: This variant is classified as likely benign based on ACMG/AMP sequence variant interpretation guidelines (Richards et al. 2015 PMID: 25741868, with internal and published modifications).

NM_001277115.2(DNAH11):c.222G>A (p.Glu74=)

Gene: DNAH11 (dynein axonemal heavy chain 11; plus strand). Cytogenetic location: 7p15.3.
Variant type: single nucleotide variant.
Coding change: c.222G>A on transcript NM_001277115.2 (MANE Select); coding-DNA position 222, G replaced by A.
Protein change: p.Glu74=; no amino-acid change (glutamic acid 74 retained).
Molecular consequence: synonymous variant.
Genome position (GRCh38, 1-based): chr7:21,543,467, G>A. VCF-style: chr7-21543467-G-A. GRCh37 (hg19) VCF-style: chr7-21583085-G-A.
Other names: c.222G>A, p.Glu74= (NM_003777.3).
Identifiers: ClinVar variation 3029725 (VCV003029725.2), dbSNP rs886309783, ClinGen allele CA155057951.